The following is an entry in ClinVar:

NM_003000.3(SDHB):c.349A>G (p.Ile117Val)

Gene: SDHB (succinate dehydrogenase complex iron sulfur subunit B; minus strand). Cytogenetic location: 1p36.13.
Variant type: single nucleotide variant.
Coding change: c.349A>G on transcript NM_003000.3 (MANE Select); coding-DNA position 349, A replaced by G.
Protein change: p.Ile117Val; replaces isoleucine 117 with valine.
Molecular consequence: missense variant.
Genome position (GRCh38, 1-based): chr1:17,028,674, T>C on the plus strand (A>G on the coding strand, the complement: SDHB is on the minus strand). VCF-style: chr1-17028674-T-C. GRCh37 (hg19) VCF-style: chr1-17355169-T-C.
Other names: c.349A>G, p.Ile117Val (NM_001407361.1); short protein forms I117V.
Identifiers: ClinVar variation 2060669 (VCV002060669.5), dbSNP rs2525020554, ClinGen allele CA338274611.
Genomic context (GRCh38, chr1:17,028,674, plus strand): 5'-TTATCACATACATGTGTGGAAGAGGGTAGATTTTTGAGACCTTATTGAGGTTGGTGTCAA[T>C]CCTTCGGGTGCAAGCTAGAGTGTTGCCTCCATTGATGTTCATTGCACAAGAGCCACAGAT-3'
Protein context (NP_002991.2, residues 107-127): GGNTLACTRR[Ile117Val]DTNLNKVSKI

ClinVar aggregate classification (germline): Uncertain significance. Review status: criteria provided, multiple submitters, no conflicts (2 of 4 stars). 2 submissions from 2 submitters: Uncertain significance (2). Last evaluated 2024-02-23.

Conditions:
Hereditary cancer-predisposing syndrome. Also called: Hereditary neoplastic syndrome; Neoplastic Syndromes, Hereditary; Hereditary Cancer Syndrome; Tumor predisposition. Identifiers: Orphanet 140162, MedGen C0027672, MeSH D009386, MONDO:0015356.
Pheochromocytoma. Also called: MAX-Related Hereditary Paraganglioma-Pheochromocytoma Syndrome. Identifiers: Orphanet 29072, MedGen C0031511, MONDO:0008233, OMIM 171300, HP:0002666.
Pheochromocytoma/paraganglioma syndrome 4. Also called: CAROTID BODY TUMORS AND MULTIPLE EXTRAADRENAL PHEOCHROMOCYTOMAS; PARAGANGLIOMA, FAMILIAL MALIGNANT; PARAGANGLIOMAS, HEREDITARY EXTRAADRENAL; PHEOCHROMOCYTOMA, FAMILIAL EXTRAADRENAL; Paragangliomas 4; SDHB-Related Hereditary Paraganglioma-Pheochromocytoma Syndrome (Paragangliomas 4). Identifiers: Orphanet 29072, MedGen C1861848, MONDO:0007273, OMIM 115310.
Gastrointestinal stromal tumor. Also called: Gastrointestinal stroma tumor; Gastrointestinal stromal tumor, somatic. Identifiers: Orphanet 44890, MedGen C0238198, MeSH D046152, MONDO:0011719, OMIM 606764, HP:0100723.

Submissions (2):

Ambry Genetics
Classification: Uncertain significance for Hereditary cancer-predisposing syndrome. Last evaluated: 2024-02-23. Review status: criteria provided, single submitter. Criteria: Ambry Variant Classification Scheme 2023. Collection method: clinical testing. Allele origin: germline.
Comment: The p.I117V variant (also known as c.349A>G), located in coding exon 4 of the SDHB gene, results from an A to G substitution at nucleotide position 349. The isoleucine at codon 117 is replaced by valine, an amino acid with highly similar properties. This amino acid position is conserved. In addition, the in silico prediction for this alteration is inconclusive. Based on the available evidence, the clinical significance of this alteration remains unclear.

Labcorp Genetics (formerly Invitae), Labcorp
Classification: Uncertain significance for Gastrointestinal stromal tumor; Pheochromocytoma/paraganglioma syndrome 4; Pheochromocytoma. Last evaluated: 2021-12-25. Review status: criteria provided, single submitter. Criteria: Invitae Variant Classification Sherloc (09022015). Collection method: clinical testing. Allele origin: germline.
Comment: This sequence change replaces isoleucine, which is neutral and non-polar, with valine, which is neutral and non-polar, at codon 117 of the SDHB protein (p.Ile117Val). This variant is not present in population databases (gnomAD no frequency). This variant has not been reported in the literature in individuals affected with SDHB-related conditions. Algorithms developed to predict the effect of missense changes on protein structure and function are either unavailable or do not agree on the potential impact of this missense change (SIFT: "Deleterious"; PolyPhen-2: "Benign"; Align-GVGD: "Class C25"). In summary, the available evidence is currently insufficient to determine the role of this variant in disease. Therefore, it has been classified as a Variant of Uncertain Significance.